The following is an entry in ClinVar:

ClinVar aggregate classification (germline): Pathogenic (1 of 4 stars; one submission).

Submission:

Athena Diagnostics
Classification: Pathogenic. Last evaluated: 2021-09-20. Review status: criteria provided, single submitter. Criteria: Athena Diagnostics Criteria. Collection method: clinical testing. Allele origin: unknown.
Comment: This variant is expected to result in the loss of a functional protein. This variant has been identified in at least one individual tested at Athena Diagnostics with clinical features associated with this gene. This variant has not been reported in large, multi-ethnic general populations.This observation is not an independent occurrence and has been identified in the same individual by RCIGM, the other laboratory participating in the GEMINI study.

NM_000901.5(NR3C2):c.2457C>A (p.Tyr819Ter)

Gene: NR3C2 (nuclear receptor subfamily 3 group C member 2; minus strand). Cytogenetic location: 4q31.23.
Variant type: single nucleotide variant.
Coding change: c.2457C>A on transcript NM_000901.5 (MANE Select); coding-DNA position 2457, C replaced by A.
Protein change: p.Tyr819Ter; replaces tyrosine 819 with a stop codon.
Molecular consequence: nonsense.
Genome position (GRCh38, 1-based): chr4:148,152,522, G>T on the plus strand (C>A on the coding strand, the complement: NR3C2 is on the minus strand). VCF-style: chr4-148152522-G-T. GRCh37 (hg19) VCF-style: chr4-149073673-G-T.
Other names: c.2106C>A, p.Tyr702Ter (NM_001166104.2, NM_001354819.1); short protein forms Y702*, Y819*.
Identifiers: ClinVar variation 1809718 (VCV001809718.1), dbSNP rs2530679674, ClinGen allele CA358425672.